The following is an entry in ClinVar:

ClinVar aggregate classification (germline): Likely pathogenic (1 of 4 stars; one submission).

Conditions:
Intellectual developmental disorder, autosomal dominant 45. Also called: MENTAL RETARDATION, AUTOSOMAL DOMINANT 45; Intellectual disability, autosomal dominant 45. Identifiers: MedGen C4539848, MONDO:0030910, OMIM 617600.

Submission:

MVZ Medizinische Genetik Mainz
Classification: Likely pathogenic for Intellectual developmental disorder, autosomal dominant 45. Last evaluated: 2026-07-20. Review status: criteria provided, single submitter. Criteria: UK Practice Guidelines For Variant Classification V4 01 2020. Collection method: clinical testing. Allele origin: germline. Inheritance: Autosomal dominant inheritance. Affected: yes. Observed: 1 variant allele.
Comment: ACMG Criteria: PVS1,PM2_SUP

NM_001386298.1(CIC):c.6849dup (p.Thr2284fs)

Gene: CIC (capicua transcriptional repressor; plus strand). Cytogenetic location: 19q13.2.
Variant type: Duplication.
Coding change: c.6849dup on transcript NM_001386298.1 (MANE Select); coding-DNA position 6849, one base duplicated (C; older notation c.6849dupC).
Protein change: p.Thr2284fs; shifts the reading frame from threonine 2284.
Molecular consequence: frameshift variant.
Genome position (GRCh38, 1-based): chr19:42,294,016, C duplicated; the last of 5 consecutive C bases (chr19:42,294,012-42,294,016); duplicating any one gives the same sequence. VCF-style (leftmost placement, unchanged base first): chr19-42294011-T-TC. GRCh37 (hg19) VCF-style: chr19-42798163-T-TC.
Other names: c.6846dup, p.Thr2283fs (NM_001379480.1, NM_001379482.1, NM_001439183.1 and 1 more transcripts); c.4122dup, p.Thr1375fs (NM_001379484.1, NM_015125.5); c.4119dup, p.Thr1374fs (NM_001379485.1, NM_001439189.1, NM_001439190.1); c.6843dup, p.Thr2282fs (NM_001439184.1, NM_001439185.1, NM_001439188.1); c.6849dup, p.Thr2284fs (NM_001439186.1, NM_001304815.2); c.4116dup, p.Thr1373fs (NM_001439191.1); short protein forms T1373fs, T1374fs, T1375fs, T2282fs, T2283fs, T2284fs.
Identifiers: ClinVar variation 5038245 (VCV005038245.1).
Genomic context (GRCh38, chr19:42,294,011, plus strand): 5'-GTGGACTTCGAAGAGCGCTTTGCTGAGTTGCCTGAGTTTCGGCCTGAGGAGGTGCTGCCC[T>TC]CCCCCACCCTGCAGTCTCTGGCCACCTCACCCCGGGCCATCCTGGGCTCTTACCGCAAGA-3'